The following is an entry in ClinVar:

NM_001134407.3(GRIN2A):c.2010T>G (p.Phe670Leu)

Gene: GRIN2A (glutamate ionotropic receptor NMDA type subunit 2A; minus strand). Cytogenetic location: 16p13.2.
Variant type: single nucleotide variant.
Coding change: c.2010T>G on transcript NM_001134407.3 (MANE Select); coding-DNA position 2010, T replaced by G.
Protein change: p.Phe670Leu; replaces phenylalanine 670 with leucine.
Molecular consequence: missense variant.
Genome position (GRCh38, 1-based): chr16:9,822,422, A>C on the plus strand (T>G on the coding strand, the complement: GRIN2A is on the minus strand). VCF-style: chr16-9822422-A-C. GRCh37 (hg19) VCF-style: chr16-9916279-A-C.
Other names: c.2010T>G, p.Phe670Leu (NM_000833.5, NM_001134408.2); short protein forms F670L.
Identifiers: ClinVar variation 4292354 (VCV004292354.1).

ClinVar aggregate classification (germline): Uncertain significance (1 of 4 stars; one submission).

Conditions:
Landau-Kleffner syndrome (FESD). Also called: EPILEPSY, FOCAL, WITH SPEECH DISORDER AND WITH OR WITHOUT MENTAL RETARDATION; APHASIA, ACQUIRED, WITH EPILEPSY. Identifiers: Orphanet 1945, Orphanet 725, Orphanet 98818, MedGen C0282512, MONDO:0009509, OMIM 245570.

Submission:

3billion
Classification: Uncertain significance for Landau-Kleffner syndrome. Last evaluated: 2025-02-07. Review status: criteria provided, single submitter. Criteria: ACMG Guidelines, 2015. Collection method: clinical testing. Allele origin: germline. Affected: yes.
Comment: The variant is not observed in the gnomAD v4.1.0 dataset. Predicted Consequence/Location: Missense variant In silico tool predictions suggest damaging effect of the variant on gene or gene product [3Cnet: 0.99 (>=0.6, sensitivity 0.72 and precision 0.9)]. Therefore, this variant is classified as VUS according to the recommendation of ACMG/AMP guideline.